The following is an entry in ClinVar:

ClinVar aggregate classification (germline): Uncertain significance. Review status: criteria provided, multiple submitters, no conflicts (2 of 4 stars). 2 submissions from 2 submitters: Uncertain significance (2). Last evaluated 2024-05-08.

Conditions:
Ocular cystinosis. Also called: Non-Nephropathic Cystinosis; Non-Nephropathic (Ocular) Cystinosis. Identifiers: Orphanet 213, Orphanet 411641, MedGen C2931013, MONDO:0009064, OMIM 219750.
Nephropathic cystinosis (CTNS). Also called: CYSTINOSIN, DEFECT OF; LYSOSOMAL CYSTINE TRANSPORT PROTEIN, DEFECT OF; Abderhalden Lignac Kaufmann disease; Abderhalden-Kaufmann-Lignac syndrome. Identifiers: Orphanet 213, Orphanet 411629, MedGen C2931187, MONDO:0100151, OMIM 219800.
Juvenile nephropathic cystinosis. Also called: Intermediate Cystinosis; CYSTINOSIS, LATE-ONSET JUVENILE OR ADOLESCENT NEPHROPATHIC TYPE; Later-Onset (Juvenile) Cystinosis. Identifiers: Orphanet 213, Orphanet 411634, MedGen C0268626, MONDO:0009066, OMIM 219900.
Inborn genetic diseases. Identifiers: MedGen C0950123, MeSH D030342.

Allele frequency attached by ClinVar (database versions not stated): gnomAD 0.00001; ExAC 0.00003; ESP Exome Variant Server 0.00008.
gnomAD v4.1: 76 of 1,613,748 alleles (0.0047%); highest among the groups gnomAD compares: Middle Eastern, 0.016%; no homozygotes.

Submissions (2):

Fulgent Genetics
Classification: Uncertain significance for Ocular cystinosis; Nephropathic cystinosis; Juvenile nephropathic cystinosis. Last evaluated: 2024-05-08. Review status: criteria provided, single submitter. Criteria: ACMG Guidelines, 2015. Collection method: clinical testing. Allele origin: germline.

Labcorp Genetics (formerly Invitae), Labcorp
Classification: Uncertain significance for Inborn genetic diseases; Ocular cystinosis; Juvenile nephropathic cystinosis. Last evaluated: 2022-07-17. Review status: criteria provided, single submitter. Criteria: Invitae Variant Classification Sherloc (09022015). Collection method: clinical testing. Allele origin: germline.
Comment: This sequence change replaces glycine, which is neutral and non-polar, with serine, which is neutral and polar, at codon 110 of the CTNS protein (p.Gly110Ser). This variant is present in population databases (rs139585545, gnomAD 0.01%). This variant has not been reported in the literature in individuals affected with CTNS-related conditions. Algorithms developed to predict the effect of missense changes on protein structure and function output the following: SIFT: "Tolerated"; PolyPhen-2: "Benign"; Align-GVGD: "Class C0". The serine amino acid residue is found in multiple mammalian species, which suggests that this missense change does not adversely affect protein function. In summary, the available evidence is currently insufficient to determine the role of this variant in disease. Therefore, it has been classified as a Variant of Uncertain Significance.

NM_004937.3(CTNS):c.328G>A (p.Gly110Ser)

Genes: CTNS (cystinosin, lysosomal cystine transporter; plus strand), CTNS-AS1 (CTNS antisense RNA 1; minus strand). Cytogenetic location: 17p13.2.
Variant type: single nucleotide variant.
Coding change: c.328G>A on transcript NM_004937.3 (MANE Select); coding-DNA position 328, G replaced by A.
Protein change: p.Gly110Ser; replaces glycine 110 with serine.
Molecular consequence: missense variant. On other transcripts: 5 prime UTR variant (4).
Genome position (GRCh38, 1-based): chr17:3,655,100, G>A. VCF-style: chr17-3655100-G-A. GRCh37 (hg19) VCF-style: chr17-3558394-G-A.
Other names: c.328G>A, p.Gly110Ser (NM_001031681.3, NM_001374492.1); c.-114G>A (NM_001374493.1, NM_001374494.1, NM_001374495.1 and 1 more transcripts); short protein forms G110S.
Identifiers: ClinVar variation 2063360 (VCV002063360.2), dbSNP rs139585545, ClinGen allele CA8291659.
Genomic context (GRCh38, chr17:3,655,100, plus strand): 5'-ACATCTCAAAATGTTGGACAACTTACTGTTTATCTACATGGAAATCACTCCAATCAGACC[G>A]GGTAGGCTGGCCTCAGGGTGTGCGGGCCTCACGTGACAAGAAGGGGGCCGTGCTGGGCAC-3'
Protein context (NP_004928.2, residues 100-120): YLHGNHSNQT[Gly110Ser]PRIRFLVIRS